The following is an entry in ClinVar:

ClinVar aggregate classification (germline): Pathogenic (1 of 4 stars; one submission).

Conditions:
Central core myopathy (CMYO1A). Also called: CONGENITAL MYOPATHY 1A, AUTOSOMAL DOMINANT, WITH SUSCEPTIBILITY TO MALIGNANT HYPERTHERMIA; Central core disease; Myopathy, central fibrillar. Identifiers: Orphanet 597, MedGen C5830701, MONDO:0007294, OMIM 117000.

Submission:

MGZ Medical Genetics Center
Classification: Pathogenic for Central core myopathy. Last evaluated: 2021-11-22. Review status: criteria provided, single submitter. Criteria: ACMG Guidelines, 2015. Collection method: clinical testing. Allele origin: germline. Affected: yes. Observed: 1 variant allele.
Comment: ACMG criteria applied: PVS1, PM3, PM2_SUP

NM_000540.3(RYR1):c.6811_6836del (p.Thr2271fs)

Gene: RYR1 (ryanodine receptor 1; plus strand). Cytogenetic location: 19q13.2.
Variant type: Deletion.
Coding change: c.6811_6836del on transcript NM_000540.3 (MANE Select); coding-DNA positions 6811 to 6836, 26 bases deleted (ACGCCCCTGGACGTGGCTGCTGCCTC).
Protein change: p.Thr2271fs; shifts the reading frame from threonine 2271.
Molecular consequence: frameshift variant.
Genome position (GRCh38, 1-based): chr19:38,496,874-38,496,899, ACGCCCCTGGACGTGGCTGCTGCCTC deleted; deleting any 26 consecutive bases within chr19:38,496,873-38,496,899 gives the same sequence; the c. name uses the placement nearest the transcript's 3' end. VCF-style (leftmost placement, unchanged base first): chr19-38496872-CCACGCCCCTGGACGTGGCTGCTGCCT-C. GRCh37 (hg19) VCF-style: chr19-38987512-CCACGCCCCTGGACGTGGCTGCTGCCT-C.
Other names: c.6811_6836del, p.Thr2271fs (NM_001042723.2); short protein forms T2271fs.
Identifiers: ClinVar variation 1709010 (VCV001709010.1), dbSNP rs2514294206, ClinGen allele CA2580097195.